The following is an entry in ClinVar:

ClinVar aggregate classification (germline): Pathogenic (1 of 4 stars; one submission).

Conditions:
Hermansky-Pudlak syndrome 2 (HPS2). Also called: Platelet defects and oculocutaneous albinism. Identifiers: Orphanet 183678, Orphanet 79430, MedGen C1842362, MONDO:0011997, OMIM 608233.

Submission:

Clinical Genetics Laboratory, University Hospital Schleswig-Holstein
Classification: Pathogenic for Hermansky-Pudlak syndrome 2. Last evaluated: 2025-04-28. Review status: criteria provided, single submitter. Criteria: ACMG Guidelines, 2015. Collection method: clinical testing. Allele origin: paternal. Affected: yes. Observed: 1 compound heterozygote.
Comment: ACMG criteria applied: PM2, PVS1, PM3, PP4

NM_003664.5(AP3B1):c.1264_1268dup (p.Thr424fs)

Gene: AP3B1 (adaptor related protein complex 3 subunit beta 1; minus strand). Cytogenetic location: 5q14.1.
Variant type: Duplication.
Coding change: c.1264_1268dup on transcript NM_003664.5 (MANE Select); coding-DNA positions 1264 to 1268, 5 bases duplicated (GCAGC; older notation c.1264_1268dupGCAGC).
Protein change: p.Thr424fs; shifts the reading frame from threonine 424.
Molecular consequence: frameshift variant.
Genome position (GRCh38, 1-based): chr5:78,162,914-78,162,918, GCTGC duplicated on the plus strand (GCAGC on the coding strand, the reverse complement: AP3B1 is on the minus strand). VCF-style (leftmost placement, unchanged base first): chr5-78162913-G-GGCTGC. GRCh37 (hg19) VCF-style: chr5-77458737-G-GGCTGC.
Other names: c.1117_1121dup, p.Thr375fs (NM_001271769.2); c.1264_1268dup, p.Thr424fs (NM_001410752.1); short protein forms T375fs, T424fs.
Identifiers: ClinVar variation 4082038 (VCV004082038.2).